The following is an entry in ClinVar:

NM_000540.3(RYR1):c.3781G>A (p.Gly1261Ser)

Gene: RYR1 (ryanodine receptor 1; plus strand). Cytogenetic location: 19q13.2.
Variant type: single nucleotide variant.
Coding change: c.3781G>A on transcript NM_000540.3 (MANE Select); coding-DNA position 3781, G replaced by A.
Protein change: p.Gly1261Ser; replaces glycine 1261 with serine.
Molecular consequence: missense variant.
Genome position (GRCh38, 1-based): chr19:38,473,392, G>A. VCF-style: chr19-38473392-G-A. GRCh37 (hg19) VCF-style: chr19-38964032-G-A.
Other names: c.3781G>A, p.Gly1261Ser (NM_001042723.2); short protein forms G1261S.
Identifiers: ClinVar variation 1512895 (VCV001512895.8), dbSNP rs1283943829, ClinGen allele CA405641391.
Genomic context (GRCh38, chr19:38,473,392, plus strand): 5'-CTAGCCCGCCTGCCCAGCCCAGTACTCCATTCCCTGCCACCTCAGGTATCCCGAGTGGAC[G>A]GCACTGTGGACACGCCCCCCTGCCTGCGCCTGACCCACCGCACCTGGGGCTCCCAGAACA-3'
Protein context (NP_000531.2, residues 1251-1271): HPHYEVSRVD[Gly1261Ser]TVDTPPCLRL

ClinVar aggregate classification (germline): Uncertain significance. Review status: criteria provided, multiple submitters, no conflicts (2 of 4 stars). 3 submissions from 3 submitters: Uncertain significance (3). Last evaluated 2025-08-18.

Conditions:
RYR1-related disorder. Also called: RYR1-related disorders; RYR1-related condition. Identifiers: MedGen CN239331.
Malignant hyperthermia, susceptibility to, 1 (MHS1). Also called: RYR1-Related Malignant Hyperthermia Susceptibility; Malignant hyperthermia suceptibility 1; Anesthesia related hyperthermia; Malignant hyperpyrexia; Fulminating hyperpyrexia; Pharmacogenic myopathy. Identifiers: Orphanet 423, MedGen C2930980, MONDO:0007783, OMIM 145600.

Allele frequency attached by ClinVar (database versions not stated): TOPMed below 0.00001.

Submissions (3):

Labcorp Genetics (formerly Invitae), Labcorp
Classification: Uncertain significance for RYR1-related disorder. Last evaluated: 2025-08-18. Review status: criteria provided, single submitter. Criteria: Invitae Variant Classification Sherloc (09022015). Collection method: clinical testing. Allele origin: germline.
Comment: This sequence change replaces glycine, which is neutral and non-polar, with serine, which is neutral and polar, at codon 1261 of the RYR1 protein (p.Gly1261Ser). This variant is not present in population databases (gnomAD no frequency). This variant has not been reported in the literature in individuals affected with RYR1-related conditions. ClinVar contains an entry for this variant (Variation ID: 1512895). Invitae Evidence Modeling of protein sequence and biophysical properties (such as structural, functional, and spatial information, amino acid conservation, physicochemical variation, residue mobility, and thermodynamic stability) has been performed for this missense variant. However, the output from this modeling did not meet the statistical confidence thresholds required to predict the impact of this variant on RYR1 protein function. In summary, the available evidence is currently insufficient to determine the role of this variant in disease. Therefore, it has been classified as a Variant of Uncertain Significance.

Color Diagnostics, LLC DBA Color Health
Classification: Uncertain significance for Malignant hyperthermia, susceptibility to, 1. Last evaluated: 2025-05-12. Review status: criteria provided, single submitter. Criteria: ACMG Guidelines, 2015. Collection method: clinical testing. Allele origin: germline.
Comment: This missense variant replaces glycine with serine at codon 1261 of the RYR1 protein. Computational prediction suggests that this variant may have deleterious impact on protein structure and function. To our knowledge, functional studies have not been reported for this variant. This variant has not been reported in individuals affected with RYR1-related disorders in the literature. This variant has not been identified in the general population by the Genome Aggregation Database (gnomAD). The available evidence is insufficient to determine the role of this variant in disease conclusively. Therefore, this variant is classified as a Variant of Uncertain Significance.

All of Us Research Program, National Institutes of Health
Classification: Uncertain significance for Malignant hyperthermia, susceptibility to, 1. Last evaluated: 2023-11-30. Review status: criteria provided, single submitter. Criteria: ACMG Guidelines, 2015. Collection method: clinical testing. Allele origin: germline. Inheritance: Autosomal dominant inheritance. Observed: 1 variant allele, 1 heterozygote.
Comment: This study involves interpretation of variants in research participants for the purpose of population health screening. Participant phenotype was not available at the time of variant classification. Additional details can be found in publication PMID: 35346344, PMCID: PMC8962531